The following is an entry in ClinVar:

ClinVar aggregate classification (germline): Uncertain significance (1 of 4 stars; one submission).

Conditions:
Osteogenesis imperfecta type I (OI1). Also called: Lobstein disease; OI, TYPE I; OSTEOGENESIS IMPERFECTA TARDA; OSTEOGENESIS IMPERFECTA WITH BLUE SCLERAE; Osteogenesis imperfecta type 1; Lobstein's Disease. Identifiers: Orphanet 216796, Orphanet 666, MedGen C0023931, MONDO:0008146, OMIM 166200. Disease mechanism: loss of function.
Ehlers-Danlos syndrome, classic type, 1 (EDSCL1). Also called: EDS I; EHLERS-DANLOS SYNDROME, GRAVIS TYPE; EHLERS-DANLOS SYNDROME, SEVERE CLASSIC TYPE; Ehlers-Danlos syndrome, type 1; Ehlers-Danlos Syndrome, Classic Type, COL5A1-Related. Identifiers: MedGen C0268335, MONDO:0019567, OMIM 130000.

Allele frequency attached by ClinVar (database versions not stated): TOPMed below 0.00001; ExAC 0.00001; gnomAD 0.00001.
gnomAD v4.1: 5 of 1,614,200 alleles (0.00031%); highest among the groups gnomAD compares: East Asian, 0.011%; no homozygotes.

Submission:

Labcorp Genetics (formerly Invitae), Labcorp
Classification: Uncertain significance for Osteogenesis imperfecta type I; Ehlers-Danlos syndrome, classic type, 1. Last evaluated: 2025-09-12. Review status: criteria provided, single submitter. Criteria: Invitae Variant Classification Sherloc (09022015). Collection method: clinical testing. Allele origin: germline.
Comment: This sequence change replaces valine, which is neutral and non-polar, with phenylalanine, which is neutral and non-polar, at codon 828 of the COL1A2 protein (p.Val828Phe). This variant is present in population databases (rs746817574, gnomAD 0.03%). This missense change has been observed in individual(s) with COL1A2-related conditions (PMID: 35855989). ClinVar contains an entry for this variant (Variation ID: 2936252). Invitae Evidence Modeling of protein sequence and biophysical properties (such as structural, functional, and spatial information, amino acid conservation, physicochemical variation, residue mobility, and thermodynamic stability) indicates that this missense variant is not expected to disrupt COL1A2 protein function with a negative predictive value of 80%. In summary, the available evidence is currently insufficient to determine the role of this variant in disease. Therefore, it has been classified as a Variant of Uncertain Significance.

Literature cited by the submitters: PubMed 35855989.

NM_000089.4(COL1A2):c.2482G>T (p.Val828Phe)

Gene: COL1A2 (collagen type I alpha 2 chain; plus strand). Cytogenetic location: 7q21.3.
Variant type: single nucleotide variant.
Coding change: c.2482G>T on transcript NM_000089.4 (MANE Select); coding-DNA position 2482, G replaced by T.
Protein change: p.Val828Phe; replaces valine 828 with phenylalanine.
Molecular consequence: missense variant.
Genome position (GRCh38, 1-based): chr7:94,423,035, G>T. VCF-style: chr7-94423035-G-T. GRCh37 (hg19) VCF-style: chr7-94052347-G-T.
Other names: short protein forms V828F.
Identifiers: ClinVar variation 2936252 (VCV002936252.3), dbSNP rs746817574, ClinGen allele CA4347459.
Genomic context (GRCh38, chr7:94,423,035, plus strand): 5'-GGTCCCCCTGGTCCTGCTGGGAAAGAAGGGCTTCGTGGTCCTCGTGGTGACCAAGGTCCA[G>T]TTGGCCGAACTGGAGAAGTAGGTGCAGTTGGTCCCCCTGGCTTCGCTGGTGAGAAGGGTC-3'
Protein context (NP_000080.2, residues 818-838): LRGPRGDQGP[Val828Phe]GRTGEVGAVG